The following is an entry in ClinVar:

NM_000057.4(BLM):c.3093A>G (p.Glu1031=)

Gene: BLM (BLM RecQ like helicase; plus strand). Cytogenetic location: 15q26.1.
Variant type: single nucleotide variant.
Coding change: c.3093A>G on transcript NM_000057.4 (MANE Select); coding-DNA position 3093, A replaced by G.
Protein change: p.Glu1031=; no amino-acid change (glutamic acid 1031 retained).
Molecular consequence: synonymous variant.
Genome position (GRCh38, 1-based): chr15:90,794,240, A>G. VCF-style: chr15-90794240-A-G. GRCh37 (hg19) VCF-style: chr15-91337470-A-G.
Other names: c.3093A>G, p.Glu1031= (NM_001287246.2, NM_001287247.2); c.1968A>G, p.Glu656= (NM_001287248.2); c.3093A>G (NM_000057.3).
Identifiers: ClinVar variation 1145019 (VCV001145019.13), dbSNP rs2151187267, ClinGen allele CA492164692.

ClinVar aggregate classification (germline): Conflicting classifications of pathogenicity. Review status: criteria provided, conflicting classifications (1 of 4 stars). 4 submissions from 4 submitters: Uncertain significance (1); Likely benign (3). Last evaluated 2026-09-01.

Conditions:
Hereditary cancer-predisposing syndrome. Also called: Neoplastic Syndromes, Hereditary; Hereditary neoplastic syndrome; Tumor predisposition; Hereditary Cancer Syndrome. Identifiers: Orphanet 140162, MedGen C0027672, MeSH D009386, MONDO:0015356.
Bloom syndrome (BLM). Also called: Bloom-Torre-Machacek syndrome. Identifiers: Orphanet 125, MedGen C0005859, MONDO:0008876, OMIM 210900.

Submissions (4):

CeGaT Center for Human Genetics Tuebingen
Classification: Likely benign. Last evaluated: 2026-09-01. Review status: criteria provided, single submitter. Criteria: CeGaT Center For Human Genetics Tuebingen Variant Classification Criteria Version 2. Collection method: clinical testing. Allele origin: germline. Affected: yes. Observed: 1 variant allele.
Comment: BLM: BP4, BP7

Labcorp Genetics (formerly Invitae), Labcorp
Classification: Likely benign for Bloom syndrome. Last evaluated: 2024-12-15. Review status: criteria provided, single submitter. Criteria: Invitae Variant Classification Sherloc (09022015). Collection method: clinical testing. Allele origin: germline.

Quest Diagnostics Nichols Institute San Juan Capistrano
Classification: Uncertain significance. Last evaluated: 2024-10-08. Review status: criteria provided, single submitter. Criteria: Quest Diagnostics criteria. Collection method: clinical testing. Allele origin: unknown.
Comment: The BLM c.3093A>G (p.Glu1031=) synonymous variant has not been reported in individuals with BLM-related conditions in the published literature. It also has not been reported in large, multi-ethnic general populations (Genome Aggregation Database). Analysis of this variant using software algorithms for the prediction of the effect of nucleotide changes on splicing yielded predictions that this variant does not affect BLM mRNA splicing. Based on the available information, we are unable to determine the clinical significance of this variant.

Ambry Genetics
Classification: Likely benign for Hereditary cancer-predisposing syndrome. Last evaluated: 2020-11-23. Review status: criteria provided, single submitter. Criteria: Ambry Variant Classification Scheme 2023. Collection method: clinical testing. Allele origin: germline.